The following is an entry in ClinVar:

ClinVar aggregate classification (germline): Uncertain significance (1 of 4 stars; one submission).

gnomAD v4.1: 3 of 1,612,800 alleles (0.00019%); highest among the groups gnomAD compares: Non-Finnish European, 0.00025%; no homozygotes.

Submission:

Labcorp Genetics (formerly Invitae), Labcorp
Classification: Uncertain significance. Last evaluated: 2024-11-16. Review status: criteria provided, single submitter. Criteria: Invitae Variant Classification Sherloc (09022015). Collection method: clinical testing. Allele origin: germline.
Comment: This sequence change affects codon 173 of the MMP9 mRNA. It is a 'silent' change, meaning that it does not change the encoded amino acid sequence of the MMP9 protein. It affects a nucleotide within the consensus splice site. This variant is not present in population databases (gnomAD no frequency). This variant has not been reported in the literature in individuals affected with MMP9-related conditions. Algorithms developed to predict the effect of sequence changes on RNA splicing suggest that this variant is not likely to affect RNA splicing. In summary, the available evidence is currently insufficient to determine the role of this variant in disease. Therefore, it has been classified as a Variant of Uncertain Significance.

NM_004994.3(MMP9):c.519G>C (p.Ala173=)

Gene: MMP9 (matrix metallopeptidase 9; plus strand). Cytogenetic location: 20q13.12.
Variant type: single nucleotide variant.
Coding change: c.519G>C on transcript NM_004994.3 (MANE Select); coding-DNA position 519, G replaced by C.
Protein change: p.Ala173=; no amino-acid change (alanine 173 retained).
Molecular consequence: synonymous variant.
Genome position (GRCh38, 1-based): chr20:46,010,630, G>C. VCF-style: chr20-46010630-G-C. GRCh37 (hg19) VCF-style: chr20-44639269-G-C.
Identifiers: ClinVar variation 3694781 (VCV003694781.2).